The following is an entry in ClinVar:

ClinVar aggregate classification (germline): Benign (1 of 4 stars; one submission).

Allele frequency attached by ClinVar (database versions not stated): 1000 Genomes Project 0.00319; 1000 Genomes Project 30x 0.00344; TOPMed 0.00775; gnomAD 0.00855; ExAC 0.00962; ESP Exome Variant Server 0.00992; gnomAD exomes 0.01207.
gnomAD v4.1: 18,777 of 1,612,804 alleles (1.2%); highest among the groups gnomAD compares: Non-Finnish European, 1.4%; 149 homozygotes.

Submission:

CeGaT Center for Human Genetics Tuebingen
Classification: Benign. Last evaluated: 2026-10-01. Review status: criteria provided, single submitter. Criteria: CeGaT Center For Human Genetics Tuebingen Variant Classification Criteria Version 2. Collection method: clinical testing. Allele origin: germline. Affected: yes. Observed: 9 variant alleles.
Comment: PXK: BP4, BP7, BS1, BS2

NM_017771.5(PXK):c.531G>A (p.Val177=)

Gene: PXK (PX domain containing serine/threonine kinase like; plus strand). Cytogenetic location: 3p14.3.
Variant type: single nucleotide variant.
Coding change: c.531G>A on transcript NM_017771.5 (MANE Select); coding-DNA position 531, G replaced by A.
Protein change: p.Val177=; no amino-acid change (valine 177 retained).
Molecular consequence: synonymous variant. On other transcripts: non-coding transcript variant (2).
Genome position (GRCh38, 1-based): chr3:58,391,211, G>A. VCF-style: chr3-58391211-G-A. GRCh37 (hg19) VCF-style: chr3-58376938-G-A.
Other names: c.480G>A, p.Val160= (NM_001289095.2, NM_001349496.2, NM_001349497.2 and 5 more transcripts); c.432G>A, p.Val144= (NM_001289096.2, NM_001289100.2, NM_001349490.2 and 3 more transcripts); c.531G>A, p.Val177= (NM_001289098.2, NM_001349488.2, NM_001349492.2 and 11 more transcripts); c.282G>A, p.Val94= (NM_001289099.2, NM_001349489.2, NM_001349513.2 and 5 more transcripts); c.120G>A, p.Val40= (NM_001289101.2, NM_001349491.2, NM_001349525.2 and 10 more transcripts); c.483G>A, p.Val161= (NM_001349494.2, NM_001349495.2, NM_001349501.2 and 4 more transcripts); c.471G>A, p.Val157= (NM_001349498.1).
Identifiers: ClinVar variation 3024767 (VCV003024767.22), dbSNP rs55962533, ClinGen allele CA2470875.
Genomic context (GRCh38, chr3:58,391,211, plus strand): 5'-GAGAATAAGGAAGAAATATTTCTTGATGAAGATTAAAAATCAGCCAAAGGAACGGCTAGT[G>A]TTAAGCTGGGTAAGCTAGCTTTTTGCTTTGGTCTCCTTCAGTGACTTTAGATGGGTTAAT-3'
Protein context (NP_060241.2, residues 167-187): KIKNQPKERL[Val177=]LSWADLGPDK